The following is an entry in ClinVar:

ClinVar aggregate classification (germline): Uncertain significance. Review status: criteria provided, multiple submitters, no conflicts (2 of 4 stars). 3 submissions from 3 submitters: Uncertain significance (3). Last evaluated 2024-10-21.

Conditions:
Short-rib thoracic dysplasia 7 with or without polydactyly (SRTD7). Also called: SHORT-RIB THORACIC DYSPLASIA 7 WITH POLYDACTYLY; Short rib polydactyly syndrome 5. Identifiers: Orphanet 498497, Orphanet 93271, MedGen C3279792, MONDO:0013569, OMIM 614091.
Cranioectodermal dysplasia 2 (CED2). Identifiers: Orphanet 1515, MedGen C3150874, MONDO:0013323, OMIM 613610.
Inborn genetic diseases. Identifiers: MedGen C0950123, MeSH D030342.

Allele frequency attached by ClinVar (database versions not stated): gnomAD 0.00001; gnomAD exomes 0.00005.
gnomAD v4.1: 42 of 1,613,152 alleles (0.0026%); highest among the groups gnomAD compares: Non-Finnish European, 0.0036%; no homozygotes.

Submissions (3):

Labcorp Genetics (formerly Invitae), Labcorp
Classification: Uncertain significance for Cranioectodermal dysplasia 2; Short-rib thoracic dysplasia 7 with or without polydactyly. Last evaluated: 2024-10-21. Review status: criteria provided, single submitter. Criteria: Invitae Variant Classification Sherloc (09022015). Collection method: clinical testing. Allele origin: germline.
Comment: This sequence change replaces aspartic acid, which is acidic and polar, with asparagine, which is neutral and polar, at codon 841 of the WDR35 protein (p.Asp841Asn). This variant is not present in population databases (gnomAD no frequency). This variant has not been reported in the literature in individuals affected with WDR35-related conditions. Invitae Evidence Modeling of protein sequence and biophysical properties (such as structural, functional, and spatial information, amino acid conservation, physicochemical variation, residue mobility, and thermodynamic stability) has been performed for this missense variant. However, the output from this modeling did not meet the statistical confidence thresholds required to predict the impact of this variant on WDR35 protein function. This variant disrupts the p.Asp841 amino acid residue in WDR35. Other variant(s) that disrupt this residue have been determined to be pathogenic (PMID: 28332779, 29068549, 34421506). This suggests that this residue is clinically significant, and that variants that disrupt this residue are likely to be disease-causing. In summary, the available evidence is currently insufficient to determine the role of this variant in disease. Therefore, it has been classified as a Variant of Uncertain Significance.

Ambry Genetics
Classification: Uncertain significance for Inborn genetic diseases. Last evaluated: 2024-04-12. Review status: criteria provided, single submitter. Criteria: Ambry Variant Classification Scheme 2023. Collection method: clinical testing. Allele origin: germline.

Fulgent Genetics
Classification: Uncertain significance for Cranioectodermal dysplasia 2; Short-rib thoracic dysplasia 7 with or without polydactyly. Last evaluated: 2024-03-11. Review status: criteria provided, single submitter. Criteria: ACMG Guidelines, 2015. Collection method: clinical testing. Allele origin: germline.

Literature cited by the submitters: PubMed 28332779 (cited by Labcorp Genetics (formerly Invitae), Labcorp); PubMed 29068549 (cited by Labcorp Genetics (formerly Invitae), Labcorp); PubMed 34421506 (cited by Labcorp Genetics (formerly Invitae), Labcorp).

NM_020779.4(WDR35):c.2488G>A (p.Asp830Asn)

Gene: WDR35 (WD repeat domain 35; minus strand). Cytogenetic location: 2p24.1.
Variant type: single nucleotide variant.
Coding change: c.2488G>A on transcript NM_020779.4 (MANE Select); coding-DNA position 2488, G replaced by A.
Protein change: p.Asp830Asn; replaces aspartic acid 830 with asparagine.
Molecular consequence: missense variant.
Genome position (GRCh38, 1-based): chr2:19,935,530, C>T on the plus strand (G>A on the coding strand, the complement: WDR35 is on the minus strand). VCF-style: chr2-19935530-C-T. GRCh37 (hg19) VCF-style: chr2-20135291-C-T.
Other names: c.2521G>A (NM_001006657.1); c.2521G>A, p.Asp841Asn (NM_001006657.2); short protein forms D841N, D830N.
Identifiers: ClinVar variation 2932293 (VCV002932293.5), dbSNP rs1670663337, ClinGen allele CA345942962.